The following is an entry in ClinVar:

ClinVar aggregate classification (germline): Conflicting classifications of pathogenicity. Review status: criteria provided, conflicting classifications (1 of 4 stars). 4 submissions from 4 submitters: Uncertain significance (1); Benign (1); Likely benign (1). 1 of the submissions does not count toward it. Last evaluated 2025-12-15.

Conditions:
Inborn genetic diseases. Identifiers: MedGen C0950123, MeSH D030342.
MECOM-related disorder. Also called: MECOM-related condition.

Allele frequency attached by ClinVar (database versions not stated): TOPMed 0.00004; gnomAD 0.00015; gnomAD exomes 0.00033; 1000 Genomes Project 0.00060; ExAC 0.00071; 1000 Genomes Project 30x 0.00078.
gnomAD v4.1: 500 of 1,613,820 alleles (0.031%); highest among the groups gnomAD compares: South Asian, 0.53%; 3 homozygotes.

Submissions (4):

Labcorp Genetics (formerly Invitae), Labcorp
Classification: Benign. Last evaluated: 2025-12-15. Review status: criteria provided, single submitter. Criteria: Invitae Variant Classification Sherloc (09022015). Collection method: clinical testing. Allele origin: germline.

Ambry Genetics
Classification: Uncertain significance for Inborn genetic diseases. Last evaluated: 2024-11-22. Review status: criteria provided, single submitter. Criteria: Ambry Variant Classification Scheme 2023. Collection method: clinical testing. Allele origin: germline.
Comment: The p.K280N variant (also known as c.840A>T), located in coding exon 6 of the MECOM gene, results from an A to T substitution at nucleotide position 840. The lysine at codon 280 is replaced by asparagine, an amino acid with similar properties. This amino acid position is conserved. In addition, this alteration is predicted to be tolerated by in silico analysis. Based on the available evidence, the clinical significance of this variant remains unclear.

CeGaT Center for Human Genetics Tuebingen
Classification: Likely benign. Last evaluated: 2024-08-01. Review status: criteria provided, single submitter. Criteria: CeGaT Center For Human Genetics Tuebingen Variant Classification Criteria Version 2. Collection method: clinical testing. Allele origin: germline. Affected: yes. Observed: 1 variant allele.
Comment: MECOM: BS1

PreventionGenetics, part of Exact Sciences
Classification: Likely benign for MECOM-related condition. Last evaluated: 2021-07-14. Review status: no assertion criteria provided. Collection method: clinical testing. Allele origin: germline. Not counted in ClinVar's aggregate classification.
Comment: This variant is classified as likely benign based on ACMG/AMP sequence variant interpretation guidelines (Richards et al. 2015 PMID: 25741868, with internal and published modifications).

NM_004991.4(MECOM):c.840A>T (p.Lys280Asn)

Gene: MECOM (MDS1 and EVI1 complex locus; minus strand). Cytogenetic location: 3q26.2.
Variant type: single nucleotide variant.
Coding change: c.840A>T on transcript NM_004991.4 (MANE Select); coding-DNA position 840, A replaced by T.
Protein change: p.Lys280Asn; replaces lysine 280 with asparagine.
Molecular consequence: missense variant.
Genome position (GRCh38, 1-based): chr3:169,122,718, T>A on the plus strand (A>T on the coding strand, the complement: MECOM is on the minus strand). VCF-style: chr3-169122718-T-A. GRCh37 (hg19) VCF-style: chr3-168840506-T-A.
Other names: c.468A>T, p.Lys156Asn (NM_001105077.4); c.276A>T, p.Lys92Asn (NM_001105078.4, NM_001163999.2, NM_001164000.2 and 9 more transcripts); c.840A>T, p.Lys280Asn (NM_001366466.2, NM_001366473.2); c.276A>T (NM_001105078.3); c.840A>T (NM_004991.3); short protein forms K156N, K280N, K92N.
Identifiers: ClinVar variation 2419272 (VCV002419272.24), dbSNP rs557276848, ClinGen allele CA2696443.